The following is an entry in ClinVar:

ClinVar aggregate classification (germline): Likely pathogenic. Review status: reviewed by expert panel (3 of 4 stars). 2 submissions from 2 submitters: Likely pathogenic (1). 1 of the submissions does not count toward it. Last evaluated 2026-05-07.

Conditions:
Pulmonary arterial hypertension. Identifiers: Orphanet 182090, MedGen C2973725, MeSH D000081029, MONDO:0015924, HP:0002092.

Submissions (2):

Clingen Pulmonary Hypertension Variant Curation Expert Panel, ClinGen
Classification: Likely pathogenic for Pulmonary arterial hypertension. Last evaluated: 2026-05-07. Review status: reviewed by expert panel. Criteria: ClinGen PH ACMG Specifications BMPR2 V2.0.0. Collection method: curation. Allele origin: germline. Inheritance: Autosomal dominant inheritance.
Comment: The BMPR2 c.529+2dup variant is in the non-canonical donor splice position (+3) in intron 4. The variant is absent from gnomAD v4.1.0 and v2.1.1 (controls) (PM2_supporting) and has been reported in two unrelated heritable PAH probands (PMID:32581362) (PS4_supporting). In silico prediction with SpliceAI predicts donor splice site loss (score = 0.46) (PP3). Skipping of exon 4 would cause an in-frame deletion of 37 amino acids (Ser140-Thr176) including 21 amino acids (Ile151-Gly171) of the conserved transmembrane domain (PM1, PM4). PP1, PS2, and PM6 were not assessed due to absence of co-segregation data. In summary, this variant meets the criteria to be classified as likely pathogenic for pulmonary arterial hypertension based on the ACMG/AMP criteria applied, as specified by the ClinGen Pulmonary Hypertension VCEP: PM1, PM4, PS4_supporting, PM2_supporting, PP3 (VCEP specification version 2.0, 1/30/2026)

NIHR Bioresource Rare Diseases, University of Cambridge
Classification: Likely pathogenic for Pulmonary arterial hypertension. Review status: no assertion criteria provided. Collection method: research. Allele origin: unknown. Affected: yes. Observed: 2 variant alleles. Not counted in ClinVar's aggregate classification.

Literature cited by the submitters: PubMed 32581362 (cited by NIHR Bioresource Rare Diseases, University of Cambridge).

NM_001204.7(BMPR2):c.529+2dup

Gene: BMPR2 (bone morphogenetic protein receptor type 2; plus strand). Cytogenetic location: 2q33.2.
Variant type: Duplication.
Coding change: c.529+2dup on transcript NM_001204.7 (MANE Select); the canonical splice donor site of the intron after coding-DNA position 529, one base duplicated (T; older notation c.529+2dupT).
Molecular consequence: splice donor variant.
Genome position (GRCh38, 1-based): chr2:202,513,831, T duplicated. VCF-style (leftmost placement, unchanged base first): chr2-202513830-G-GT. GRCh37 (hg19) VCF-style: chr2-203378553-G-GT.
Identifiers: ClinVar variation 812806 (VCV000812806.3), dbSNP rs1574486038, ClinGen allele CA915941638.